The following is an entry in ClinVar:

NM_001457.4(FLNB):c.5339A>C (p.Lys1780Thr)

Gene: FLNB (filamin B; plus strand). Cytogenetic location: 3p14.3.
Variant type: single nucleotide variant.
Coding change: c.5339A>C on transcript NM_001457.4 (MANE Select); coding-DNA position 5339, A replaced by C.
Protein change: p.Lys1780Thr; replaces lysine 1780 with threonine.
Molecular consequence: missense variant.
Genome position (GRCh38, 1-based): chr3:58,143,527, A>C. VCF-style: chr3-58143527-A-C. GRCh37 (hg19) VCF-style: chr3-58129254-A-C.
Other names: c.5432A>C, p.Lys1811Thr (NM_001164317.2); c.5306A>C, p.Lys1769Thr (NM_001164318.2); c.5267A>C, p.Lys1756Thr (NM_001164319.2); short protein forms K1756T, K1780T, K1811T, K1769T.
Identifiers: ClinVar variation 3701687 (VCV003701687.2).
Genomic context (GRCh38, chr3:58,143,527, plus strand): 5'-CCATAGGAGAGGTCCACATGCCTTCTGGGAAGACAGCCACACCTGAGATTGTGGACAACA[A>C]GGACGGCACGGTCACTGTTAGATATGCCCCCACTGAGGTCGGGCTCCATGAGATGCACAT-3'
Protein context (NP_001448.2, residues 1770-1790): KTATPEIVDN[Lys1780Thr]DGTVTVRYAP

ClinVar aggregate classification (germline): Uncertain significance (1 of 4 stars; one submission).

gnomAD v4.1: 9 of 1,614,174 alleles (0.00056%); highest among the groups gnomAD compares: Non-Finnish European, 0.00076%; no homozygotes.

Submission:

Labcorp Genetics (formerly Invitae), Labcorp
Classification: Uncertain significance. Last evaluated: 2024-11-15. Review status: criteria provided, single submitter. Criteria: Invitae Variant Classification Sherloc (09022015). Collection method: clinical testing. Allele origin: germline.
Comment: This sequence change replaces lysine, which is basic and polar, with threonine, which is neutral and polar, at codon 1780 of the FLNB protein (p.Lys1780Thr). This variant is not present in population databases (gnomAD no frequency). This variant has not been reported in the literature in individuals affected with FLNB-related conditions. Invitae Evidence Modeling of protein sequence and biophysical properties (such as structural, functional, and spatial information, amino acid conservation, physicochemical variation, residue mobility, and thermodynamic stability) indicates that this missense variant is not expected to disrupt FLNB protein function with a negative predictive value of 95%. In summary, the available evidence is currently insufficient to determine the role of this variant in disease. Therefore, it has been classified as a Variant of Uncertain Significance.